The following is an entry in ClinVar:

NM_000051.4(ATM):c.664C>T (p.Gln222Ter)

Gene: ATM (ATM serine/threonine kinase; plus strand). Cytogenetic location: 11q22.3.
Variant type: single nucleotide variant.
Coding change: c.664C>T on transcript NM_000051.4 (MANE Select); coding-DNA position 664, C replaced by T.
Protein change: p.Gln222Ter; replaces glutamine 222 with a stop codon.
Molecular consequence: nonsense.
Genome position (GRCh38, 1-based): chr11:108,244,789, C>T. VCF-style: chr11-108244789-C-T. GRCh37 (hg19) VCF-style: chr11-108115516-C-T.
Other names: c.664C>T, p.Gln222Ter (NM_001351834.2); short protein forms Q222*.
Identifiers: ClinVar variation 449343 (VCV000449343.19), dbSNP rs1555066917, ClinGen allele CA382528913.

ClinVar aggregate classification (germline): Pathogenic. Review status: criteria provided, multiple submitters, no conflicts (2 of 4 stars). 6 submissions from 6 submitters: Pathogenic (5). 1 of the submissions does not count toward it. Last evaluated 2026-01-14.

Conditions:
Hereditary cancer-predisposing syndrome. Also called: Tumor predisposition; Hereditary Cancer Syndrome; Neoplastic Syndromes, Hereditary; Hereditary neoplastic syndrome. Identifiers: Orphanet 140162, MedGen C0027672, MeSH D009386, MONDO:0015356.
Familial cancer of breast. Also called: Hereditary breast cancer; hereditary breast carcinoma; BREAST CANCER, FAMILIAL. Identifiers: Orphanet 227535, MedGen C0346153, MONDO:0016419, OMIM 114480. Disease mechanism: loss of function.
Ataxia-telangiectasia syndrome (AT). Also called: Cerebello-oculocutaneous telangiectasia; Immunodeficiency with ataxia telangiectasia; Ataxia-telangiectasia, complementation group D; AT, COMPLEMENTATION GROUP C; Ataxia-telangiectasia, complementation group E; LOUIS-BAR SYNDROME. Identifiers: Orphanet 100, MedGen C0004135, MONDO:0008840, OMIM 208900.

Allele frequency attached by ClinVar (database versions not stated): gnomAD exomes below 0.00001.
gnomAD v4.1: 1 of 1,611,428 alleles (0.000062%); highest among the groups gnomAD compares: Non-Finnish European, 0.000085%; no homozygotes.

Submissions (6):

Labcorp Genetics (formerly Invitae), Labcorp
Classification: Pathogenic for Ataxia-telangiectasia syndrome. Last evaluated: 2026-01-14. Review status: criteria provided, single submitter. Criteria: Invitae Variant Classification Sherloc (09022015). Collection method: clinical testing. Allele origin: germline.
Comment: This sequence change creates a premature translational stop signal (p.Gln222*) in the ATM gene. It is expected to result in an absent or disrupted protein product. Loss-of-function variants in ATM are known to be pathogenic (PMID: 23807571, 25614872). This variant is not present in population databases (gnomAD no frequency). This premature translational stop signal has been observed in individual(s) with ataxia-telangiectasia (A-T) (PMID: 25122203). ClinVar contains an entry for this variant (Variation ID: 449343). For these reasons, this variant has been classified as Pathogenic.

Ambry Genetics
Classification: Pathogenic for Hereditary cancer-predisposing syndrome. Last evaluated: 2025-08-29. Review status: criteria provided, single submitter. Criteria: Ambry Variant Classification Scheme 2023. Collection method: clinical testing. Allele origin: germline.
Comment: The p.Q222* pathogenic mutation (also known as c.664C>T), located in coding exon 6 of the ATM gene, results from a C to T substitution at nucleotide position 664. This changes the amino acid from a glutamine to a stop codon within coding exon 6. This variant is considered to be rare based on population cohorts in the Genome Aggregation Database (gnomAD). This alteration is expected to result in loss of function by premature protein truncation or nonsense-mediated mRNA decay. As such, this alteration is interpreted as a disease-causing mutation.

Myriad Genetics, Inc.
Classification: Pathogenic for Familial cancer of breast. Last evaluated: 2024-01-10. Review status: criteria provided, single submitter. Criteria: Myriad Autosomal Dominant, Autosomal Recessive and X-Linked Classification Criteria (2023). Collection method: clinical testing. Allele origin: unknown.
Comment: This variant is considered pathogenic. This variant creates a termination codon and is predicted to result in premature protein truncation.

Baylor Genetics
Classification: Pathogenic for Familial cancer of breast. Last evaluated: 2023-05-17. Review status: criteria provided, single submitter. Criteria: ACMG Guidelines, 2015. Collection method: clinical testing. Allele origin: unknown.

GeneDx
Classification: Pathogenic. Last evaluated: 2019-12-23. Review status: criteria provided, single submitter. Criteria: GeneDx Variant Classification Process June 2021. Collection method: clinical testing. Allele origin: germline. Affected: yes.
Comment: Nonsense variant predicted to result in protein truncation or nonsense mediated decay in a gene for which loss-of-function is a known mechanism of disease; Published functional studies demonstrate a damaging effect: cell lines with this variant in the homozygous state are reported to result in an absence of ATM protein and kinase activity (Fernet 2003); Not observed in large population cohorts (Lek 2016); This variant is associated with the following publications: (PMID: 7478567, 12745884, 25122203, 8808686, 12552566, 21665257)

Counsyl
Classification: Likely pathogenic for Ataxia-telangiectasia syndrome. Last evaluated: 2018-02-13. Review status: no assertion criteria provided. Collection method: clinical testing. Allele origin: unknown. Not counted in ClinVar's aggregate classification.

Literature cited by the submitters: PubMed 23807571 (cited by Labcorp Genetics (formerly Invitae), Labcorp); PubMed 25614872 (cited by Labcorp Genetics (formerly Invitae), Labcorp); PubMed 25122203 (cited by 3 submitters).